The following is an entry in ClinVar:

ClinVar aggregate classification (germline): Uncertain significance (1 of 4 stars; one submission).

Conditions:
GNAS-related disorder. Identifiers: MedGen CN380105.

gnomAD v4.1: 5 of 1,596,500 alleles (0.00031%); highest among the groups gnomAD compares: Admixed American, 0.0052%; no homozygotes.

Submission:

PreventionGenetics, part of Exact Sciences
Classification: Uncertain significance for GNAS-related condition. Last evaluated: 2025-09-08. Review status: criteria provided, single submitter. Criteria: ACMG Guidelines, 2015. Collection method: clinical testing. Allele origin: germline.
Comment: The GNAS c.158C>T variant is predicted to result in the amino acid substitution p.Pro53Leu. To our knowledge, this variant has not been reported in the literature. This variant is reported in 0.0092% of alleles in individuals of Latino descent in gnomAD. At this time, the clinical significance of this variant is uncertain due to the absence of conclusive functional and genetic evidence.

NM_080425.4(GNAS):c.158C>T (p.Pro53Leu)

Gene: GNAS (GNAS complex locus; plus strand). Cytogenetic location: 20q13.32.
Variant type: single nucleotide variant.
Coding change: c.158C>T on transcript NM_080425.4 (MANE Plus Clinical); coding-DNA position 158, C replaced by T.
Protein change: p.Pro53Leu; replaces proline 53 with leucine.
Molecular consequence: missense variant. On other transcripts: 5 prime UTR variant (2), intron variant (3).
Genome position (GRCh38, 1-based): chr20:58,853,423, C>T. VCF-style: chr20-58853423-C-T. GRCh37 (hg19) VCF-style: chr20-57428478-C-T.
Other names: c.-30C>T (NM_001077490.3, NM_001309883.1); c.158C>T, p.Pro53Leu (NM_001410913.1); c.*42+12537C>T (NM_016592.5); c.43+12537C>T (NM_001410912.1); c.-39+11548C>T (NM_001309861.2); short protein forms P53L.
Identifiers: ClinVar variation 4988110 (VCV004988110.1).
Genomic context (GRCh38, chr20:58,853,423, plus strand): 5'-CCCCAGGGGCAGCTGCCCCCGGTGCTGGGCCTAGCCCAGCCGAAGAGATGGAGACCGAAC[C>T]GCCTCACAACGAGCCCATCCCCGTCGAGAATGATGGCGAGGCCTGTGGACCCCCAGAGGT-3'
Protein context (NP_536350.2, residues 43-63): PSPAEEMETE[Pro53Leu]PHNEPIPVEN